The following is an entry in ClinVar:

ClinVar aggregate classification (germline): Pathogenic (1 of 4 stars; one submission).

Submission:

Labcorp Genetics (formerly Invitae), Labcorp
Classification: Pathogenic. Last evaluated: 2026-01-22. Review status: criteria provided, single submitter. Criteria: Invitae Variant Classification Sherloc (09022015). Collection method: clinical testing. Allele origin: germline.
Comment: This sequence change creates a premature translational stop signal (p.Pro3120Argfs*13) in the VPS13A gene. It is expected to result in an absent or disrupted protein product. Loss-of-function variants in VPS13A are known to be pathogenic (PMID: 12404112, 21598378). This variant is present in population databases (rs773428910, gnomAD 0.003%). This variant has not been reported in the literature in individuals affected with VPS13A-related conditions. ClinVar contains an entry for this variant (Variation ID: 1960267). For these reasons, this variant has been classified as Pathogenic.

Literature cited by the submitters: PubMed 12404112; PubMed 21598378.

NM_033305.3(VPS13A):c.9353_9356dup (p.Pro3120fs)

Gene: VPS13A (vacuolar protein sorting 13 homolog A; plus strand). Cytogenetic location: 9q21.2.
Variant type: Duplication.
Coding change: c.9353_9356dup on transcript NM_033305.3 (MANE Select); coding-DNA positions 9353 to 9356, 4 bases duplicated (AAGA; older notation c.9353_9356dupAAGA).
Protein change: p.Pro3120fs; shifts the reading frame from proline 3120.
Molecular consequence: frameshift variant.
Genome position (GRCh38, 1-based): chr9:77,405,941-77,405,944, AAGA duplicated; duplicating any 4 consecutive bases within chr9:77,405,940-77,405,944 gives the same sequence; the c. name uses the placement nearest the transcript's 3' end. VCF-style (leftmost placement, unchanged base first): chr9-77405939-C-CAAAG. GRCh37 (hg19) VCF-style: chr9-80020855-C-CAAAG.
Other names: c.9236_9239dup, p.Pro3081fs (NM_001018037.2); short protein forms P3081fs, P3120fs.
Identifiers: ClinVar variation 1960267 (VCV001960267.5), dbSNP rs773428910, ClinGen allele CA5094023.